The following is an entry in ClinVar:

ClinVar aggregate classification (germline): Uncertain significance (1 of 4 stars; one submission).

Allele frequency attached by ClinVar (database versions not stated): TOPMed below 0.00001; gnomAD 0.00001.
gnomAD v4.1: 1 of 1,567,608 alleles (0.000064%); highest among the groups gnomAD compares: Non-Finnish European, 0.000086%; no homozygotes.

Submission:

Labcorp Genetics (formerly Invitae), Labcorp
Classification: Uncertain significance. Last evaluated: 2022-04-11. Review status: criteria provided, single submitter. Criteria: Invitae Variant Classification Sherloc (09022015). Collection method: clinical testing. Allele origin: germline.
Comment: In summary, the available evidence is currently insufficient to determine the role of this variant in disease. Therefore, it has been classified as a Variant of Uncertain Significance. Variants that disrupt the consensus splice site are a relatively common cause of aberrant splicing (PMID: 17576681, 9536098). Algorithms developed to predict the effect of sequence changes on RNA splicing suggest that this variant is not likely to affect RNA splicing. This variant has not been reported in the literature in individuals affected with SPARC-related conditions. This variant is not present in population databases (gnomAD no frequency). This sequence change falls in intron 5 of the SPARC gene. It does not directly change the encoded amino acid sequence of the SPARC protein. It affects a nucleotide within the consensus splice site.

Literature cited by the submitters: PubMed 17576681; PubMed 9536098.

NM_003118.4(SPARC):c.330+5G>A

Gene: SPARC (secreted protein acidic and cysteine rich; minus strand). Cytogenetic location: 5q33.1.
Variant type: single nucleotide variant.
Coding change: c.330+5G>A on transcript NM_003118.4 (MANE Select); 5 bases into the intron after coding-DNA position 330, G replaced by A.
Molecular consequence: intron variant.
Genome position (GRCh38, 1-based): chr5:151,671,568, C>T on the plus strand (G>A on the coding strand, the complement: SPARC is on the minus strand). VCF-style: chr5-151671568-C-T. GRCh37 (hg19) VCF-style: chr5-151051129-C-T.
Other names: c.327+5G>A (NM_001309443.2); c.330+5G>A (NM_001309444.2).
Identifiers: ClinVar variation 2124815 (VCV002124815.4), dbSNP rs1349672294, ClinGen allele CA1082962382.